The following is an entry in ClinVar:

ClinVar aggregate classification (germline): Pathogenic. Review status: criteria provided, multiple submitters, no conflicts (2 of 4 stars). 4 submissions from 4 submitters: Pathogenic (3). 1 of the submissions does not count toward it. Last evaluated 2025-04-21.

Conditions:
X-linked severe combined immunodeficiency (SCIDX1). Also called: IMMUNODEFICIENCY 4; X-Linked Combined Immunodeficiency Diseases; SCID, X-LINKED; SEVERE COMBINED IMMUNODEFICIENCY, X-LINKED, T CELL-NEGATIVE, B CELL-POSITIVE, NK CELL-NEGATIVE; T-B+ severe combined immunodeficiency due to gamma chain deficiency. Identifiers: Orphanet 276, MedGen C6022468, MONDO:0010315, OMIM 300400. Disease mechanism: loss of function.

Submissions (5):

Labcorp Genetics (formerly Invitae), Labcorp
Classification: Pathogenic for X-linked severe combined immunodeficiency. Last evaluated: 2025-04-21. Review status: criteria provided, single submitter. Criteria: Invitae Variant Classification Sherloc (09022015). Collection method: clinical testing. Allele origin: germline.
Comment: This sequence change affects codon 285 of the IL2RG mRNA. It is a 'silent' change, meaning that it does not change the encoded amino acid sequence of the IL2RG protein. This variant also falls at the last nucleotide of exon 6, which is part of the consensus splice site for this exon. This variant is not present in population databases (gnomAD no frequency). This variant has been observed in individual(s) with X-linked severe combined immunodeficiency (PMID: 7557965, 9058718, 21184155, 22039266). This variant is also known as c.868G>A (p.R285Q). ClinVar contains an entry for this variant (Variation ID: 10026). Invitae Evidence Modeling of protein sequence and biophysical properties (such as structural, functional, and spatial information, amino acid conservation, physicochemical variation, residue mobility, and thermodynamic stability) indicates that this missense variant is expected to disrupt IL2RG protein function with a positive predictive value of 95%. Variants that disrupt the consensus splice site are a relatively common cause of aberrant splicing (PMID: 17576681, 9536098). Algorithms developed to predict the effect of sequence changes on RNA splicing suggest that this variant may disrupt the consensus splice site. For these reasons, this variant has been classified as Pathogenic.

GeneDx
Classification: Pathogenic. Last evaluated: 2023-05-30. Review status: criteria provided, single submitter. Criteria: GeneDx Variant Classification Process June 2021. Collection method: clinical testing. Allele origin: germline. Affected: yes.
Comment: Not observed at significant frequency in large population cohorts (gnomAD); This variant is associated with the following publications: (PMID: 32993535, 35874699, 9150740, 7557965, 10071190, 10444186, 31031743, 11129345, 33628209, 21184155)

Neuberg Centre For Genomic Medicine, NCGM
Classification: Pathogenic for X-linked severe combined immunodeficiency. Review status: criteria provided, single submitter. Criteria: ACMG Guidelines, 2015. Collection method: clinical testing. Allele origin: germline. Affected: yes.
Comment: The missense variant p.R285Q in IL2RG (NM_000206.3) has been previusly reported in affected individuals (Lee PP et al; Jones AM et al). It falls at the last nucleotide of exon 6 of the IL2RG coding sequence, which is part of the consensus splice site for this exon. Splicing predictions predict a damaging effect though the same has not been proved by functional studies. The variant is submitted to ClinVar as Pathogenic. It is novel (not in any individuals) in gnomAD Exomes. The p.R285Q variant is novel (not in any individuals) in 1000 Genomes. There is a small physicochemical difference between arginine and glutamine, which is not likely to impact secondary protein structure as these residues share similar properties. For these reasons, this variant has been classified as Pathogenic.

OMIM
Classification: Pathogenic for SEVERE COMBINED IMMUNODEFICIENCY, X-LINKED. Last evaluated: 1997-05-01. Review status: no assertion criteria provided. Collection method: literature only. Allele origin: germline. Not counted in ClinVar's aggregate classification.

Dr. Peter K. Rogan Lab, Western University
No classification provided (evidence only). Condition: Nonpapillary renal cell carcinoma. Review status: no classification provided. Collection method: in vitro. Allele origin: not applicable. Functional consequence: skipped exon, retained intron. Not counted in ClinVar's aggregate classification.

Literature cited by the submitters: PubMed 7557965 (cited by Labcorp Genetics (formerly Invitae), Labcorp and OMIM); PubMed 9058718 (cited by Labcorp Genetics (formerly Invitae), Labcorp); PubMed 21184155 (cited by Labcorp Genetics (formerly Invitae), Labcorp); PubMed 22039266 (cited by Labcorp Genetics (formerly Invitae), Labcorp); PubMed 17576681 (cited by Labcorp Genetics (formerly Invitae), Labcorp); PubMed 9536098 (cited by Labcorp Genetics (formerly Invitae), Labcorp); PubMed 9150740 (cited by OMIM).

NM_000206.3(IL2RG):c.854G>A (p.Arg285Gln)

Gene: IL2RG (interleukin 2 receptor subunit gamma; minus strand). Cytogenetic location: Xq13.1.
Variant type: single nucleotide variant.
Coding change: c.854G>A on transcript NM_000206.3 (MANE Select); coding-DNA position 854, G replaced by A.
Protein change: p.Arg285Gln; replaces arginine 285 with glutamine.
Molecular consequence: missense variant.
Genome position (GRCh38, 1-based): chrX:71,108,599, C>T on the plus strand (G>A on the coding strand, the complement: IL2RG is on the minus strand). VCF-style: chrX-71108599-C-T. GRCh37 (hg19) VCF-style: chrX-70328449-C-T.
Other names: R285Q.
Identifiers: ClinVar variation 10026 (VCV000010026.13), dbSNP rs111033617, ClinGen allele CA254992.